The following is an entry in ClinVar:

NM_001184.4(ATR):c.4131A>C (p.Gln1377His)

Gene: ATR (ATR checkpoint kinase; minus strand). Cytogenetic location: 3q23.
Variant type: single nucleotide variant.
Coding change: c.4131A>C on transcript NM_001184.4 (MANE Select); coding-DNA position 4131, A replaced by C.
Protein change: p.Gln1377His; replaces glutamine 1377 with histidine.
Molecular consequence: missense variant.
Genome position (GRCh38, 1-based): chr3:142,524,014, T>G on the plus strand (A>C on the coding strand, the complement: ATR is on the minus strand). VCF-style: chr3-142524014-T-G. GRCh37 (hg19) VCF-style: chr3-142242856-T-G.
Other names: c.3939A>C, p.Gln1313His (NM_001354579.2); short protein forms Q1313H, Q1377H.
Identifiers: ClinVar variation 3221152 (VCV003221152.1), dbSNP rs2473264887, ClinGen allele CA354802065.

ClinVar aggregate classification (germline): Uncertain significance (1 of 4 stars; one submission).

Conditions:
Inborn genetic diseases. Identifiers: MedGen C0950123, MeSH D030342.

Allele frequency attached by ClinVar (database versions not stated): gnomAD exomes below 0.00001.
gnomAD v4.1: 1 of 1,614,100 alleles (0.000062%); highest among the groups gnomAD compares: South Asian, 0.0011%; no homozygotes.

Submission:

Ambry Genetics
Classification: Uncertain significance for Inborn genetic diseases. Last evaluated: 2024-01-21. Review status: criteria provided, single submitter. Criteria: Ambry Variant Classification Scheme 2023. Collection method: clinical testing. Allele origin: germline.
Comment: The p.Q1377H variant (also known as c.4131A>C), located in coding exon 22 of the ATR gene, results from an A to C substitution at nucleotide position 4131. The glutamine at codon 1377 is replaced by histidine, an amino acid with highly similar properties. This amino acid position is conserved. In addition, this alteration is predicted to be tolerated by in silico analysis. Based on the available evidence, the clinical significance of this alteration remains unclear.